The following is an entry in ClinVar:

ClinVar aggregate classification (germline): Uncertain significance. Review status: criteria provided, multiple submitters, no conflicts (2 of 4 stars). 2 submissions from 2 submitters: Uncertain significance (2). Last evaluated 2024-03-07.

Conditions:
Hereditary cancer-predisposing syndrome. Also called: Neoplastic Syndromes, Hereditary; Tumor predisposition; Hereditary neoplastic syndrome; Hereditary Cancer Syndrome. Identifiers: Orphanet 140162, MedGen C0027672, MeSH D009386, MONDO:0015356.
Cardiovascular phenotype. Identifiers: MedGen CN230736.

Submissions (2):

Labcorp Genetics (formerly Invitae), Labcorp
Classification: Uncertain significance. Last evaluated: 2024-03-07. Review status: criteria provided, single submitter. Criteria: Invitae Variant Classification Sherloc (09022015). Collection method: clinical testing. Allele origin: germline.
Comment: This sequence change replaces histidine, which is basic and polar, with proline, which is neutral and non-polar, at codon 121 of the LZTR1 protein (p.His121Pro). This variant is not present in population databases (gnomAD no frequency). This variant has not been reported in the literature in individuals affected with LZTR1-related conditions. Advanced modeling of protein sequence and biophysical properties (such as structural, functional, and spatial information, amino acid conservation, physicochemical variation, residue mobility, and thermodynamic stability) performed at Invitae indicates that this missense variant is not expected to disrupt LZTR1 protein function with a negative predictive value of 80%. In summary, the available evidence is currently insufficient to determine the role of this variant in disease. Therefore, it has been classified as a Variant of Uncertain Significance.

Ambry Genetics
Classification: Uncertain significance for Cardiovascular phenotype; Hereditary cancer-predisposing syndrome. Last evaluated: 2023-04-19. Review status: criteria provided, single submitter. Criteria: Ambry Variant Classification Scheme 2023. Collection method: clinical testing. Allele origin: germline.
Comment: The p.H121P variant (also known as c.362A>C), located in coding exon 4 of the LZTR1 gene, results from an A to C substitution at nucleotide position 362. The histidine at codon 121 is replaced by proline, an amino acid with similar properties. This amino acid position is conserved. In addition, this alteration is predicted to be deleterious by in silico analysis. Since supporting evidence is limited at this time, the clinical significance of this alteration remains unclear.

NM_006767.4(LZTR1):c.362A>C (p.His121Pro)

Gene: LZTR1 (leucine zipper like post translational regulator 1; plus strand). Cytogenetic location: 22q11.21.
Variant type: single nucleotide variant.
Coding change: c.362A>C on transcript NM_006767.4 (MANE Select); coding-DNA position 362, A replaced by C.
Protein change: p.His121Pro; replaces histidine 121 with proline.
Molecular consequence: missense variant.
Genome position (GRCh38, 1-based): chr22:20,987,545, A>C. VCF-style: chr22-20987545-A-C. GRCh37 (hg19) VCF-style: chr22-21341834-A-C.
Other names: short protein forms H121P.
Identifiers: ClinVar variation 3238275 (VCV003238275.3), dbSNP rs2518612513.
Genomic context (GRCh38, chr22:20,987,545, plus strand): 5'-ACCCCTGTGCCCACCCCAGGGCCTTTACCACTGGGACCCCACCGGCCCCCCGTTACCACC[A>C]CTCGGCCGTCGTCTATGGGAGCAGCATGTTTGTCTTTGGTAAGCAGCCTCTTGCCTCCCA-3'
Protein context (NP_006758.2, residues 111-131): TGTPPAPRYH[His121Pro]SAVVYGSSMF